The following is an entry in ClinVar:

ClinVar aggregate classification (germline): Uncertain significance (1 of 4 stars; one submission).

Conditions:
Progressive myoclonic epilepsy. Also called: Familial progressive myoclonic epilepsy; Myoclonus epilepsy; Progressive myoclonus epilepsy; Myoclonic Epilepsies, Progressive. Identifiers: Orphanet 308, Orphanet 98261, MedGen C0751778, MONDO:0020074.

Allele frequency attached by ClinVar (database versions not stated): ExAC 0.00086; TOPMed 0.00001; gnomAD exomes 0.00010.
gnomAD v4.1: 47 of 1,242,106 alleles (0.0038%); highest among the groups gnomAD compares: Non-Finnish European, 0.004%; no homozygotes.

Submission:

Labcorp Genetics (formerly Invitae), Labcorp
Classification: Uncertain significance for Progressive myoclonic epilepsy. Last evaluated: 2021-08-13. Review status: criteria provided, single submitter. Criteria: Invitae Variant Classification Sherloc (09022015). Collection method: clinical testing. Allele origin: germline.
Comment: This sequence change replaces arginine with glycine at codon 17 of the EPM2A protein (p.Arg17Gly). The arginine residue is weakly conserved and there is a moderate physicochemical difference between arginine and glycine. The frequency data for this variant in the population databases is considered unreliable, as metrics indicate poor data quality at this position in the ExAC database. This variant has not been reported in the literature in individuals affected with EPM2A-related conditions. Algorithms developed to predict the effect of missense changes on protein structure and function output the following: SIFT: "Tolerated"; PolyPhen-2: "Not Available"; Align-GVGD: "Class C0". The glycine amino acid residue is found in multiple mammalian species, which suggests that this missense change does not adversely affect protein function. In summary, the available evidence is currently insufficient to determine the role of this variant in disease. Therefore, it has been classified as a Variant of Uncertain Significance.

NM_005670.4(EPM2A):c.49C>G (p.Arg17Gly)

Genes: EPM2A (EPM2A glucan phosphatase, laforin; minus strand), EPM2A-DT (EPM2A divergent transcript; plus strand), LOC129997381 (ATAC-STARR-seq lymphoblastoid silent region 17642; plus strand). Cytogenetic location: 6q24.3.
Variant type: single nucleotide variant.
Coding change: c.49C>G on transcript NM_005670.4 (MANE Select); coding-DNA position 49, C replaced by G.
Protein change: p.Arg17Gly; replaces arginine 17 with glycine.
Molecular consequence: missense variant. On other transcripts: 5 prime UTR variant (3), intron variant (1).
Genome position (GRCh38, 1-based): chr6:145,735,450, G>C on the plus strand (C>G on the coding strand, the complement: EPM2A is on the minus strand). VCF-style: chr6-145735450-G-C. GRCh37 (hg19) VCF-style: chr6-146056586-G-C.
Other names: c.49C>G, p.Arg17Gly (NM_001018041.2, NM_001360057.2, NM_001368130.1); c.-621C>G (NM_001360071.2); c.-575C>G (NM_001368129.2); c.-319C>G (NM_001368131.1); c.-114+458C>G (NM_001360064.2); short protein forms R17G.
Identifiers: ClinVar variation 1012062 (VCV001012062.6), dbSNP rs767010700, ClinGen allele CA4035242.
Genomic context (GRCh38, chr6:145,735,450, plus strand): 5'-CACCGCGCGGCTCCCAACGCCCCAGCTCGGGCCGCGACCCCACCACCAGCAGCTCCGGCC[G>C]GGCGCCGGCCACGGCGGGTGGCACCACCACCCCAAAGCGGAAGCGCATGGCGGGCGGCGG-3'
Protein context (NP_005661.1, residues 7-27): VVVPPAVAGA[Arg17Gly]PELLVVGSRP